The following is an entry in ClinVar:

ClinVar aggregate classification (germline): Likely benign (1 of 4 stars; one submission).

gnomAD v4.1: 16 of 399,414 alleles (0.004%); highest among the groups gnomAD compares: Non-Finnish European, 0.0066%; no homozygotes.

Submission:

CeGaT Center for Human Genetics Tuebingen
Classification: Likely benign. Last evaluated: 2026-03-01. Review status: criteria provided, single submitter. Criteria: CeGaT Center For Human Genetics Tuebingen Variant Classification Criteria Version 2. Collection method: clinical testing. Allele origin: germline. Affected: yes. Observed: 1 variant allele.
Comment: AP3B2: BP4, BP7

NM_001278512.2(AP3B2):c.113+9778C>T

Gene: AP3B2 (adaptor related protein complex 3 subunit beta 2; minus strand). Cytogenetic location: 15q25.2.
Variant type: single nucleotide variant.
Coding change: c.113+9778C>T on transcript NM_001278512.2 (MANE Select); 9778 bases into the intron after coding-DNA position 113, C replaced by T.
Molecular consequence: intron variant.
Genome position (GRCh38, 1-based): chr15:82,699,816, G>A on the plus strand (C>T on the coding strand, the complement: AP3B2 is on the minus strand). VCF-style: chr15-82699816-G-A. GRCh37 (hg19) VCF-style: chr15-83368568-G-A.
Other names: c.113+9778C>T (NM_001278511.2, NM_004644.5, NM_001348440.2).
Identifiers: ClinVar variation 4821968 (VCV004821968.4).
Genomic context (GRCh38, chr15:82,699,816, plus strand): 5'-CCGGAGTGGGGGCCCACCTTCGGGAGCCAGCACAGGGCTAGCAGCCTCTTGATCAGCTCC[G>A]CAGGCCCCTCTGACCCCAGGCCTCACCACGGCCCCCGGGAGCTGCAGGAATCGCTGCATC-3'